The following is an entry in ClinVar:

ClinVar aggregate classification (germline): Uncertain significance (1 of 4 stars; one submission).

Conditions:
Amyotrophic lateral sclerosis type 1 (ALS1). Also called: AMYOTROPHIC LATERAL SCLEROSIS 1, FAMILIAL. Identifiers: Orphanet 803, MedGen C1862939, MONDO:0007103, OMIM 105400.
Neuronopathy, distal hereditary motor, type 7B. Also called: HMN VIIB; LOWER MOTOR NEURON DISEASE, DYNACTIN TYPE; NEURONOPATHY, DISTAL HEREDITARY MOTOR, AUTOSOMAL DOMINANT 14; NEURONOPATHY, DISTAL HEREDITARY MOTOR, HARDING TYPE VIIB; NEUROPATHY, DISTAL HEREDITARY MOTOR, HARDING TYPE VIIB; NEUROPATHY, DISTAL HEREDITARY MOTOR, WITH VOCAL CORD PARALYSIS, HARDING TYPE VIIB. Identifiers: Orphanet 139589, MedGen C1843315, MONDO:0011879, OMIM 607641.
Perry syndrome. Also called: PARKINSONISM WITH ALVEOLAR HYPOVENTILATION AND MENTAL DEPRESSION. Identifiers: Orphanet 178509, MedGen C1868594, MONDO:0008201, OMIM 168605.

Submission:

Labcorp Genetics (formerly Invitae), Labcorp
Classification: Uncertain significance for Amyotrophic lateral sclerosis type 1; Neuronopathy, distal hereditary motor, type 7B; Perry syndrome. Last evaluated: 2024-07-12. Review status: criteria provided, single submitter. Criteria: Invitae Variant Classification Sherloc (09022015). Collection method: clinical testing. Allele origin: germline.
Comment: This sequence change replaces glutamic acid, which is acidic and polar, with glycine, which is neutral and non-polar, at codon 977 of the DCTN1 protein (p.Glu977Gly). This variant is not present in population databases (gnomAD no frequency). This variant has not been reported in the literature in individuals affected with DCTN1-related conditions. Advanced modeling of protein sequence and biophysical properties (such as structural, functional, and spatial information, amino acid conservation, physicochemical variation, residue mobility, and thermodynamic stability) performed at Invitae indicates that this missense variant is expected to disrupt DCTN1 protein function with a positive predictive value of 80%. In summary, the available evidence is currently insufficient to determine the role of this variant in disease. Therefore, it has been classified as a Variant of Uncertain Significance.

NM_004082.5(DCTN1):c.2930A>G (p.Glu977Gly)

Gene: DCTN1 (dynactin subunit 1; minus strand). Cytogenetic location: 2p13.1.
Variant type: single nucleotide variant.
Coding change: c.2930A>G on transcript NM_004082.5 (MANE Select); coding-DNA position 2930, A replaced by G.
Protein change: p.Glu977Gly; replaces glutamic acid 977 with glycine.
Molecular consequence: missense variant. On other transcripts: non-coding transcript variant (1).
Genome position (GRCh38, 1-based): chr2:74,365,614, T>C on the plus strand (A>G on the coding strand, the complement: DCTN1 is on the minus strand). VCF-style: chr2-74365614-T-C. GRCh37 (hg19) VCF-style: chr2-74592741-T-C.
Other names: c.2870A>G, p.Glu957Gly (NM_001135040.3); c.2528A>G, p.Glu843Gly (NM_001135041.3, NM_023019.4); c.2819A>G, p.Glu940Gly (NM_001190836.2); c.2909A>G, p.Glu970Gly (NM_001190837.2); c.2879A>G, p.Glu960Gly (NM_001378991.1); c.2861A>G, p.Glu954Gly (NM_001378992.1); short protein forms E843G, E940G, E954G, E957G, E960G, E970G, E977G.
Identifiers: ClinVar variation 3757231 (VCV003757231.2).